The following is an entry in ClinVar:

NM_000512.5(GALNS):c.566+186T>C

Gene: GALNS (galactosamine (N-acetyl)-6-sulfatase; minus strand). Cytogenetic location: 16q24.3.
Variant type: single nucleotide variant.
Coding change: c.566+186T>C on transcript NM_000512.5 (MANE Select); 186 bases into the intron after coding-DNA position 566, T replaced by C.
Molecular consequence: intron variant.
Genome position (GRCh38, 1-based): chr16:88,837,436, A>G on the plus strand (T>C on the coding strand, the complement: GALNS is on the minus strand). VCF-style: chr16-88837436-A-G. GRCh37 (hg19) VCF-style: chr16-88903844-A-G.
Other names: c.11+186T>C (NM_001323543.2); c.584+186T>C (NM_001323544.2).
Identifiers: ClinVar variation 1707286 (VCV001707286.2), dbSNP rs77515872, ClinGen allele CA286404182.

ClinVar aggregate classification (germline): Likely benign (1 of 4 stars; one submission).

Allele frequency attached by ClinVar (database versions not stated): gnomAD 0.00977; TOPMed 0.01161; 1000 Genomes Project 0.01358; 1000 Genomes Project 30x 0.01359.
gnomAD v4.1: 1,471 of 152,318 alleles (0.97%); highest among the groups gnomAD compares: African/African-American, 3.3%; 23 homozygotes.

Submission:

GeneDx
Classification: Likely benign. Last evaluated: 2020-02-03. Review status: criteria provided, single submitter. Criteria: GeneDx Variant Classification Process June 2021. Collection method: clinical testing. Allele origin: germline. Affected: yes.
Comment: See Variant Classification Assertion Criteria.